The following is an entry in ClinVar:

ClinVar aggregate classification (germline): Likely benign (1 of 4 stars; one submission).

gnomAD v4.1: 58 of 1,518,418 alleles (0.0038%); highest among the groups gnomAD compares: Non-Finnish European, 0.0048%; no homozygotes.

Submission:

CeGaT Center for Human Genetics Tuebingen
Classification: Likely benign. Last evaluated: 2026-09-01. Review status: criteria provided, single submitter. Criteria: CeGaT Center For Human Genetics Tuebingen Variant Classification Criteria Version 2. Collection method: clinical testing. Allele origin: germline. Affected: yes. Observed: 1 variant allele.
Comment: DOCK4: BP4

NM_001363540.2(DOCK4):c.5870G>A (p.Arg1957Gln)

Gene: DOCK4 (dedicator of cytokinesis 4; minus strand). Cytogenetic location: 7q31.1.
Variant type: single nucleotide variant.
Coding change: c.5870G>A on transcript NM_001363540.2 (MANE Select); coding-DNA position 5870, G replaced by A.
Protein change: p.Arg1957Gln; replaces arginine 1957 with glutamine.
Molecular consequence: missense variant.
Genome position (GRCh38, 1-based): chr7:111,728,332, C>T on the plus strand (G>A on the coding strand, the complement: DOCK4 is on the minus strand). VCF-style: chr7-111728332-C-T. GRCh37 (hg19) VCF-style: chr7-111368388-C-T.
Other names: c.5843G>A, p.Arg1948Gln (NM_014705.4); short protein forms R1948Q, R1957Q.
Identifiers: ClinVar variation 5041122 (VCV005041122.1).